The following is an entry in ClinVar:

NM_000179.3(MSH6):c.3439-20T>G

Gene: MSH6 (mutS homolog 6; plus strand). Cytogenetic location: 2p16.3.
Variant type: single nucleotide variant.
Coding change: c.3439-20T>G on transcript NM_000179.3 (MANE Select); 20 bases into the intron before coding-DNA position 3439, T replaced by G.
Molecular consequence: intron variant.
Genome position (GRCh38, 1-based): chr2:47,804,890, T>G. VCF-style: chr2-47804890-T-G. GRCh37 (hg19) VCF-style: chr2-48032029-T-G.
Other names: c.2533-20T>G (NM_001281493.2, NM_001281494.2); c.3049-20T>G (NM_001281492.2).
Identifiers: ClinVar variation 506993 (VCV000506993.1), dbSNP rs1553332128, ClinGen allele CA658795745.
Genomic context (GRCh38, chr2:47,804,890, plus strand): 5'-GTAAGGGTTCATAAGAAAGACAAAAGTTTATGAAACTGTTACTACCAGTCATAAAAGACC[T>G]TTTCCTCCCTCATTCACAGGCTGGCTTATTAGCTGTAATGGCCCAGATGGGTTGTTACGT-3'

ClinVar aggregate classification (germline): Likely benign (1 of 4 stars; one submission).

Submission:

GeneDx
Classification: Likely benign. Last evaluated: 2017-01-23. Review status: criteria provided, single submitter. Criteria: GeneDx Variant Classification (06012015). Collection method: clinical testing. Allele origin: germline. Affected: yes.
Comment: This variant is considered likely benign or benign based on one or more of the following criteria: it is a conservative change, it occurs at a poorly conserved position in the protein, it is predicted to be benign by multiple in silico algorithms, and/or has population frequency not consistent with disease.